The following is an entry in ClinVar:

NM_015041.3(CLUAP1):c.1010A>G (p.Gln337Arg)

Gene: CLUAP1 (clusterin associated protein 1; plus strand). Cytogenetic location: 16p13.3.
Variant type: single nucleotide variant.
Coding change: c.1010A>G on transcript NM_015041.3 (MANE Select); coding-DNA position 1010, A replaced by G.
Protein change: p.Gln337Arg; replaces glutamine 337 with arginine.
Molecular consequence: missense variant.
Genome position (GRCh38, 1-based): chr16:3,530,649, A>G. VCF-style: chr16-3530649-A-G. GRCh37 (hg19) VCF-style: chr16-3580649-A-G.
Other names: c.1010A>G, p.Gln337Arg (NM_001330454.2); c.512A>G, p.Gln171Arg (NM_024793.3); short protein forms Q337R, Q171R.
Identifiers: ClinVar variation 1045076 (VCV001045076.10), dbSNP rs749413002, ClinGen allele CA7863939.

ClinVar aggregate classification (germline): Uncertain significance (1 of 4 stars; one submission).

Allele frequency attached by ClinVar (database versions not stated): gnomAD exomes below 0.00001; ExAC 0.00001; TOPMed 0.00001.
gnomAD v4.1: 8 of 1,614,086 alleles (0.0005%); highest among the groups gnomAD compares: Admixed American, 0.0017%; no homozygotes.

Submission:

Labcorp Genetics (formerly Invitae), Labcorp
Classification: Uncertain significance. Last evaluated: 2022-02-25. Review status: criteria provided, single submitter. Criteria: Invitae Variant Classification Sherloc (09022015). Collection method: clinical testing. Allele origin: germline.
Comment: ClinVar contains an entry for this variant (Variation ID: 1045076). This variant has not been reported in the literature in individuals affected with CLUAP1-related conditions. The frequency data for this variant in the population databases is considered unreliable, as metrics indicate poor data quality at this position in the gnomAD database. This sequence change replaces glutamine, which is neutral and polar, with arginine, which is basic and polar, at codon 337 of the CLUAP1 protein (p.Gln337Arg). Algorithms developed to predict the effect of missense changes on protein structure and function output the following: SIFT: "Tolerated"; PolyPhen-2: "Benign"; Align-GVGD: "Class C0". The arginine amino acid residue is found in multiple mammalian species, which suggests that this missense change does not adversely affect protein function. In summary, the available evidence is currently insufficient to determine the role of this variant in disease. Therefore, it has been classified as a Variant of Uncertain Significance.